The following is an entry in ClinVar:

NM_006922.4(SCN3A):c.2681T>C (p.Phe894Ser)

Gene: SCN3A (sodium voltage-gated channel alpha subunit 3; minus strand). Cytogenetic location: 2q24.3.
Variant type: single nucleotide variant.
Coding change: c.2681T>C on transcript NM_006922.4 (MANE Select); coding-DNA position 2681, T replaced by C.
Protein change: p.Phe894Ser; replaces phenylalanine 894 with serine.
Molecular consequence: missense variant.
Genome position (GRCh38, 1-based): chr2:165,130,181, A>G on the plus strand (T>C on the coding strand, the complement: SCN3A is on the minus strand). VCF-style: chr2-165130181-A-G. GRCh37 (hg19) VCF-style: chr2-165986691-A-G.
Other names: c.2534T>C, p.Phe845Ser (NM_001081676.2, NM_001081677.2); short protein forms F845S, F894S.
Identifiers: ClinVar variation 1348783 (VCV001348783.6), dbSNP rs2105772518, ClinGen allele CA349042777.

ClinVar aggregate classification (germline): Likely pathogenic (1 of 4 stars; one submission).

Submission:

Labcorp Genetics (formerly Invitae), Labcorp
Classification: Likely pathogenic. Last evaluated: 2022-01-05. Review status: criteria provided, single submitter. Criteria: Invitae Variant Classification Sherloc (09022015). Collection method: clinical testing. Allele origin: germline.
Comment: In summary, the currently available evidence indicates that the variant is pathogenic, but additional data are needed to prove that conclusively. Therefore, this variant has been classified as Likely Pathogenic. Algorithms developed to predict the effect of missense changes on protein structure and function (SIFT, PolyPhen-2, Align-GVGD) all suggest that this variant is likely to be disruptive. This missense change has been observed in individual(s) with SCN3A-related conditions (Invitae). In at least one individual the variant was observed to be de novo. This variant is not present in population databases (gnomAD no frequency). This sequence change replaces phenylalanine, which is neutral and non-polar, with serine, which is neutral and polar, at codon 894 of the SCN3A protein (p.Phe894Ser).